The following is an entry in ClinVar:

ClinVar aggregate classification (germline): Likely benign. Review status: reviewed by expert panel (3 of 4 stars). 3 submissions from 3 submitters: Likely benign (1). 2 of the submissions do not count toward it. Last evaluated 2021-11-09.

Conditions:
RYR1-related disorder. Also called: RYR1-related condition; RYR1-related disorders. Identifiers: MedGen CN239331.
Malignant hyperthermia of anesthesia. Also called: Anesthesic-triggered malignant hyperthermia. Identifiers: Orphanet 423, MedGen C0024591, MONDO:0018493, HP:0034733.
Malignant hyperthermia, susceptibility to, 1 (MHS1). Also called: Anesthesia related hyperthermia; Malignant hyperpyrexia; Fulminating hyperpyrexia; Pharmacogenic myopathy; Malignant hyperthermia suceptibility 1; RYR1-Related Malignant Hyperthermia Susceptibility. Identifiers: Orphanet 423, MedGen C2930980, MONDO:0007783, OMIM 145600.

Allele frequency attached by ClinVar (database versions not stated): gnomAD 0.00001 and 0.00002; gnomAD exomes 0.00002 and 0.00007; TOPMed 0.00002; ExAC 0.00003; ESP Exome Variant Server 0.00008.
gnomAD v4.1: 108 of 1,614,124 alleles (0.0067%); highest among the groups gnomAD compares: East Asian, 0.016%; no homozygotes.

Submissions (3):

ClinGen Malignant Hyperthermia Susceptibility Variant Curation Expert Panel, ClinGen
Classification: Likely benign for Malignant hyperthermia of anesthesia. Last evaluated: 2021-11-09. Review status: reviewed by expert panel. Criteria: ClinGen MHS ACMG Specifications V1. Collection method: curation. Allele origin: germline. Inheritance: Autosomal dominant inheritance.
Comment: This pathogenicity assessment is relevant only for malignant hyperthermia susceptibility (MHS) inherited in an autosomal dominant pattern. Variants in RYR1 can also cause other myopathies inherited in an autosomal dominant pattern or in an autosomal recessive pattern. Some of these disorders may predispose individuals to malignant hyperthermia. RYR1 variants may also contribute to a malignant hyperthermia reaction in combination with other genetic and non-genetic factors and the clinician needs to consider such factors in making management decisions. This sequence variant predicts a substitution of proline with leucine at codon 816 of the RYR1 protein, p.(Pro816Leu). The maximum allele frequency for this variant among the six major gnomAD populations is NFE: .000046, a frequency consistent with pathogenicity for MHS. This variant has been reported in an individual with a personal or family history of an MH episode and a positive in vitro contracture test (IVCT) or caffeine halothane contracture test (CHCT) result (if the proband was unavailable for testing, a positive diagnostic test result in a mutation-positive relative was counted), PS4_Supporting (PMID:30236257). This variant has been identified in one individual with a negative IVCT/CHCT results, BS2_Moderate (The UK (Leeds) MH Unit). Functional studies in HEK293 cells do not show a significant increased sensitivity to RYR1 agonists BS3_Supporting (PMID: 31903994). This variant does not reside in a hotspot for pathogenic variants that contribute to MHS. A REVEL score of .758 supports neither a pathogenic nor a benign status for this variant. Based on using Bayes to combine criteria this variant is assessed as Likely Benign, (PMID: 29300386). Criteria implemented: PS4_Supporting, BS2_Moderate, BS3_Supporting.

Color Diagnostics, LLC DBA Color Health
Classification: Uncertain significance for Malignant hyperthermia, susceptibility to, 1. Last evaluated: 2024-05-22. Review status: criteria provided, single submitter. Criteria: ACMG Guidelines, 2015. Collection method: clinical testing. Allele origin: germline. Not counted in ClinVar's aggregate classification.
Comment: This missense variant replaces proline with leucine at codon 816 of the RYR1 protein. Computational prediction suggests that this variant may have deleterious impact on protein structure and function. A functional study has shown that this variant does not increase sensitivity to 4-CmC in HEK293 cells (PMID: 31903994). This variant has been reported in families/individuals affected with malignant hyperthermia susceptibility and in an individual with a negative in vitro contracture test (PMID: 30236257, 31903994, ClinVar: SCV002047609.1). This variant has been identified in 6/282882 chromosomes in the general population by the Genome Aggregation Database (gnomAD). The available evidence is insufficient to determine the role of this variant in disease conclusively. Therefore, this variant is classified as a Variant of Uncertain Significance.

Labcorp Genetics (formerly Invitae), Labcorp
Classification: Uncertain significance for RYR1-related disorder. Last evaluated: 2024-05-12. Review status: criteria provided, single submitter. Criteria: Invitae Variant Classification Sherloc (09022015). Collection method: clinical testing. Allele origin: germline. Not counted in ClinVar's aggregate classification.
Comment: This sequence change replaces proline, which is neutral and non-polar, with leucine, which is neutral and non-polar, at codon 816 of the RYR1 protein (p.Pro816Leu). This variant is present in population databases (rs376149732, gnomAD 0.006%). This missense change has been observed in individual(s) with clinical features of RYR1-related conditions (PMID: 31903994, 31994743). ClinVar contains an entry for this variant (Variation ID: 478213). Advanced modeling of protein sequence and biophysical properties (such as structural, functional, and spatial information, amino acid conservation, physicochemical variation, residue mobility, and thermodynamic stability) performed at Invitae indicates that this missense variant is expected to disrupt RYR1 protein function with a positive predictive value of 95%. In summary, the available evidence is currently insufficient to determine the role of this variant in disease. Therefore, it has been classified as a Variant of Uncertain Significance.

Literature cited by the submitters: PubMed 30236257 (cited by Color Diagnostics, LLC DBA Color Health); PubMed 31903994 (cited by Color Diagnostics, LLC DBA Color Health and Labcorp Genetics (formerly Invitae), Labcorp); PubMed 31994743 (cited by Labcorp Genetics (formerly Invitae), Labcorp).

NM_000540.3(RYR1):c.2447C>T (p.Pro816Leu)

Gene: RYR1 (ryanodine receptor 1; plus strand). Cytogenetic location: 19q13.2.
Variant type: single nucleotide variant.
Coding change: c.2447C>T on transcript NM_000540.3 (MANE Select); coding-DNA position 2447, C replaced by T.
Protein change: p.Pro816Leu; replaces proline 816 with leucine.
Molecular consequence: missense variant.
Genome position (GRCh38, 1-based): chr19:38,460,461, C>T. VCF-style: chr19-38460461-C-T. GRCh37 (hg19) VCF-style: chr19-38951101-C-T.
Other names: NM_000540.2(RYR1):c.2447C>T; p.Pro816Leu; c.2447C>T, p.Pro816Leu (NM_001042723.2); short protein forms P816L.
Identifiers: ClinVar variation 478213 (VCV000478213.12), dbSNP rs376149732, ClinGen allele CA063246.